The following is an entry in ClinVar:

NM_207346.3(TSEN54):c.291del (p.Lys97fs)

Gene: TSEN54 (tRNA splicing endonuclease subunit 54; plus strand). Cytogenetic location: 17q25.1.
Variant type: Deletion.
Coding change: c.291del on transcript NM_207346.3 (MANE Select); coding-DNA position 291, one base deleted (A; older notation c.291delA).
Protein change: p.Lys97fs; shifts the reading frame from lysine 97.
Molecular consequence: frameshift variant.
Genome position (GRCh38, 1-based): chr17:75,517,166, A deleted; the last of 3 consecutive A bases (chr17:75,517,164-75,517,166); deleting any one gives the same sequence. VCF-style (leftmost placement, unchanged base first): chr17-75517163-CA-C. GRCh37 (hg19) VCF-style: chr17-73513244-CA-C.
Other names: short protein forms K97fs.
Identifiers: ClinVar variation 2823132 (VCV002823132.3), dbSNP rs2546151806, ClinGen allele CA2739268369.

ClinVar aggregate classification (germline): Pathogenic (1 of 4 stars; one submission).

Submission:

Labcorp Genetics (formerly Invitae), Labcorp
Classification: Pathogenic. Last evaluated: 2022-12-22. Review status: criteria provided, single submitter. Criteria: Invitae Variant Classification Sherloc (09022015). Collection method: clinical testing. Allele origin: germline.
Comment: For these reasons, this variant has been classified as Pathogenic. This variant has not been reported in the literature in individuals affected with TSEN54-related conditions. This variant is not present in population databases (gnomAD no frequency). This sequence change creates a premature translational stop signal (p.Lys97Asnfs*49) in the TSEN54 gene. It is expected to result in an absent or disrupted protein product. Loss-of-function variants in TSEN54 are known to be pathogenic (PMID: 18711368, 20952379).

Literature cited by the submitters: PubMed 18711368; PubMed 20952379.